The following is an entry in ClinVar:

NM_001267550.2(TTN):c.22547del (p.Phe7516fs)

Gene: TTN (titin; minus strand). Cytogenetic location: 2q31.2.
Variant type: Deletion.
Coding change: c.22547del on transcript NM_001267550.2 (MANE Select); coding-DNA position 22547, one base deleted (T; older notation c.22547delT).
Protein change: p.Phe7516fs; shifts the reading frame from phenylalanine 7516.
Molecular consequence: frameshift variant. On other transcripts: intron variant (3).
Genome position (GRCh38, 1-based): chr2:178,722,116, A deleted on the plus strand (T on the coding strand, the reverse complement: TTN is on the minus strand); the first of 2 consecutive A bases (chr2:178,722,116-178,722,117); deleting either gives the same sequence. VCF-style (leftmost placement, unchanged base first): chr2-178722115-GA-G. GRCh37 (hg19) VCF-style: chr2-179586842-GA-G.
Other names: c.21596del, p.Phe7199fs (NM_001256850.1); c.18815del, p.Phe6272fs (NM_133378.4); c.13282+15966del (NM_003319.4); c.13858+15966del (NM_133437.4); c.13657+15966del (NM_133432.3); c.18815delT (NM_133378.4); short protein forms F6272fs, F7199fs, F7516fs.
Identifiers: ClinVar variation 4849123 (VCV004849123.1).
Genomic context (GRCh38, chr2:178,722,115, plus strand): 5'-ACACTCAAAATCAGCACTTTCTCCAGCAATAACATCTATAGATACAGGCTTGATGTCAAA[GA>G]AGGGAGATTTCTTGGGTTCTGGAGGATGAGAAGAAAGGCAATGTGTATTTTTTGTTTGTT-3'

ClinVar aggregate classification (germline): Likely pathogenic (1 of 4 stars; one submission).

Conditions:
Autosomal recessive titinopathy. Identifiers: MedGen CN315649, MONDO:0100493.

Submission:

Women's Health and Genetics/Laboratory Corporation of America, LabCorp
Classification: Likely pathogenic for Autosomal recessive titinopathy. Last evaluated: 2026-04-29. Review status: criteria provided, single submitter. Criteria: LabCorp Variant Classification Summary - May 2015. Collection method: clinical testing. Allele origin: germline.
Comment: Variant summary: TTN c.18815delT (p.Phe6272SerfsX9) results in a premature termination codon, predicted to cause a truncation of the encoded protein or absence of the protein due to nonsense mediated decay, which are commonly known mechanisms for disease. Loss of function variants in all TTN bands are strongly associated with a spectrum of autosomal recessive titinopathies when exon expression (proportion spliced in, PSI, 1=complete expression) in skeletal muscle is >0.1 (PMID: 36977548, 39198997, 29598826, 32778822, 29691892, 33449170, 36977548, internal data). In contrast, loss of function variants in all TTN bands are only strongly associated with autosomal dominant TTN-related cardiomyopathies if located in exons constitutively expressed (PSI >0.9) in cardiac muscle, excluding extreme C-terminal exons 359-363 (PMID: 25589632, 31216868, 32964742, 34662387, 27869827, Shetty et al., Nat Cardiovasc Res 2024,, internal data). This variant is located in exon 78 in NM_001267550. This exon has a maximum skeletal muscle PSI of 0.94 and a maximum cardiac muscle PSI of 0.409 (PMID: 39198997). The variant was absent in 211702 control chromosomes (gnomAD). To our knowledge, no occurrence of c.18815delT in individuals affected with TTN-related conditions and no experimental evidence demonstrating its impact on protein function have been reported. No submitters have cited clinical-significance assessments for this variant to ClinVar. Based on the evidence outlined above, the variant was classified as likely pathogenic for autosomal recessive TTN-related conditions.